The following is an entry in ClinVar:

ClinVar aggregate classification (germline): Uncertain significance (1 of 4 stars; one submission).

Allele frequency attached by ClinVar (database versions not stated): gnomAD 0.00001; TOPMed 0.00001.
gnomAD v4.1: 13 of 1,551,712 alleles (0.00084%); highest among the groups gnomAD compares: Non-Finnish European, 0.001%; no homozygotes.

Submission:

CeGaT Center for Human Genetics Tuebingen
Classification: Uncertain significance. Last evaluated: 2023-08-01. Review status: criteria provided, single submitter. Criteria: CeGaT Center For Human Genetics Tuebingen Variant Classification Criteria Version 2. Collection method: clinical testing. Allele origin: germline. Affected: yes. Observed: 1 variant allele.
Comment: SBF1: PM2, BP4

NM_002972.4(SBF1):c.610C>G (p.Leu204Val)

Gene: SBF1 (SET binding factor 1; minus strand). Cytogenetic location: 22q13.33.
Variant type: single nucleotide variant.
Coding change: c.610C>G on transcript NM_002972.4 (MANE Select); coding-DNA position 610, C replaced by G.
Protein change: p.Leu204Val; replaces leucine 204 with valine.
Molecular consequence: missense variant.
Genome position (GRCh38, 1-based): chr22:50,466,650, G>C on the plus strand (C>G on the coding strand, the complement: SBF1 is on the minus strand). VCF-style: chr22-50466650-G-C. GRCh37 (hg19) VCF-style: chr22-50905079-G-C.
Other names: c.613C>G, p.Leu205Val (NM_001365819.1, NM_001410794.1); c.610C>G, p.Leu204Val (NM_001410795.1, NM_197971.1); short protein forms L204V, L205V.
Identifiers: ClinVar variation 2578925 (VCV002578925.25), dbSNP rs1005011466, ClinGen allele CA325535449.